The following is an entry in ClinVar:

ClinVar aggregate classification (germline): Uncertain significance (1 of 4 stars; one submission).

Conditions:
Progressive myoclonic epilepsy type 5. Identifiers: Orphanet 402082, MedGen C5190799.

Submission:

Labcorp Genetics (formerly Invitae), Labcorp
Classification: Uncertain significance for Progressive myoclonic epilepsy type 5. Last evaluated: 2025-12-21. Review status: criteria provided, single submitter. Criteria: Invitae Variant Classification Sherloc (09022015). Collection method: clinical testing. Allele origin: germline.
Comment: This sequence change replaces arginine, which is basic and polar, with cysteine, which is neutral and slightly polar, at codon 764 of the PRICKLE2 protein (p.Arg764Cys). This variant is not present in population databases (gnomAD no frequency). This variant has not been reported in the literature in individuals affected with PRICKLE2-related conditions. Invitae Evidence Modeling of protein sequence and biophysical properties (such as structural, functional, and spatial information, amino acid conservation, physicochemical variation, residue mobility, and thermodynamic stability) indicates that this missense variant is not expected to disrupt PRICKLE2 protein function with a negative predictive value of 80%. In summary, the available evidence is currently insufficient to determine the role of this variant in disease. Therefore, it has been classified as a Variant of Uncertain Significance.

NM_198859.4(PRICKLE2):c.2290C>T (p.Arg764Cys)

Genes: PRICKLE2 (prickle planar cell polarity protein 2; minus strand), PRICKLE2-AS1 (PRICKLE2 antisense RNA 1; plus strand). Cytogenetic location: 3p14.1.
Variant type: single nucleotide variant.
Coding change: c.2290C>T on transcript NM_198859.4 (MANE Select); coding-DNA position 2290, C replaced by T.
Protein change: p.Arg764Cys; replaces arginine 764 with cysteine.
Molecular consequence: missense variant. On other transcripts: non-coding transcript variant (1).
Genome position (GRCh38, 1-based): chr3:64,099,296, G>A on the plus strand (C>T on the coding strand, the complement: PRICKLE2 is on the minus strand). VCF-style: chr3-64099296-G-A. GRCh37 (hg19) VCF-style: chr3-64084972-G-A.
Other names: c.2290C>T, p.Arg764Cys (NM_001370528.1); short protein forms R764C.
Identifiers: ClinVar variation 4806361 (VCV004806361.1).
Genomic context (GRCh38, chr3:64,099,296, plus strand): 5'-ACTCTGAAGAGGAGGAGCAGGTGGAACACCAATCATACTCGGCGAAGTAGGGTCCCCAGC[G>A]GTCCCCAAAGGCATTCTGCAAAGCCAGGTCCGACACAGTCCTAGGGCACTGGCCGTACAG-3'
Protein context (NP_942559.1, residues 754-774): DLALQNAFGD[Arg764Cys]WGPYFAEYDW